The following is an entry in ClinVar:

ClinVar aggregate classification (germline): Likely benign. Review status: criteria provided, multiple submitters, no conflicts (2 of 4 stars). 2 submissions from 2 submitters: Likely benign (2). Last evaluated 2024-12-17.

Conditions:
LAMB2-related infantile-onset nephrotic syndrome. Also called: NEPHROTIC SYNDROME, TYPE 5, WITHOUT OCULAR ABNORMALITIES; NEPHROTIC SYNDROME, TYPE 5, WITH OCULAR ABNORMALITIES; Nephrotic Syndrome, type 5. Identifiers: Orphanet 306507, MedGen C3280113, MONDO:0013621, OMIM 614199.
Pierson syndrome. Also called: MICROCORIA-CONGENITAL NEPHROTIC SYNDROME. Identifiers: Orphanet 2670, MedGen C1836876, MONDO:0012184, OMIM 609049.
LAMB2-related disorder. Also called: LAMB2-related condition.

Allele frequency attached by ClinVar (database versions not stated): gnomAD 0.00001; gnomAD exomes 0.00001; TOPMed 0.00001.

Submissions (2):

PreventionGenetics, part of Exact Sciences
Classification: Likely benign for LAMB2-related condition. Last evaluated: 2024-12-17. Review status: criteria provided, single submitter. Criteria: ACMG Guidelines, 2015. Collection method: clinical testing. Allele origin: germline.
Comment: This variant is classified as likely benign based on ACMG/AMP sequence variant interpretation guidelines (Richards et al. 2015 PMID: 25741868, with internal and published modifications).

Labcorp Genetics (formerly Invitae), Labcorp
Classification: Likely benign for LAMB2-related infantile-onset nephrotic syndrome; Pierson syndrome. Last evaluated: 2019-07-01. Review status: criteria provided, single submitter. Criteria: Invitae Variant Classification Sherloc (09022015). Collection method: clinical testing. Allele origin: germline.

NM_002292.4(LAMB2):c.1405+9C>T

Gene: LAMB2 (laminin subunit beta 2; minus strand). Cytogenetic location: 3p21.31.
Variant type: single nucleotide variant.
Coding change: c.1405+9C>T on transcript NM_002292.4 (MANE Select); 9 bases into the intron after coding-DNA position 1405, C replaced by T.
Molecular consequence: intron variant.
Genome position (GRCh38, 1-based): chr3:49,129,830, G>A on the plus strand (C>T on the coding strand, the complement: LAMB2 is on the minus strand). VCF-style: chr3-49129830-G-A. GRCh37 (hg19) VCF-style: chr3-49167263-G-A.
Other names: c.1405+9C>T (NM_002292.3).
Identifiers: ClinVar variation 1078240 (VCV001078240.8), dbSNP rs1462037846, ClinGen allele CA542803918.